The following is an entry in ClinVar:

ClinVar aggregate classification (germline): Uncertain significance (1 of 4 stars; one submission).

Submission:

Labcorp Genetics (formerly Invitae), Labcorp
Classification: Uncertain significance. Last evaluated: 2022-06-05. Review status: criteria provided, single submitter. Criteria: Invitae Variant Classification Sherloc (09022015). Collection method: clinical testing. Allele origin: germline.
Comment: This variant is not present in population databases (gnomAD no frequency). This sequence change affects an acceptor splice site in intron 2 of the ARL3 gene. It is expected to disrupt RNA splicing. Variants that disrupt the donor or acceptor splice site typically lead to a loss of protein function (PMID: 16199547), however the current clinical and genetic evidence is not sufficient to establish whether loss-of-function variants in ARL3 cause disease. This variant has not been reported in the literature in individuals affected with ARL3-related conditions. ClinVar contains an entry for this variant (Variation ID: 1352443). Algorithms developed to predict the effect of sequence changes on RNA splicing suggest that this variant may disrupt the consensus splice site. In summary, the available evidence is currently insufficient to determine the role of this variant in disease. Therefore, it has been classified as a Variant of Uncertain Significance.

Literature cited by the submitters: PubMed 16199547.

NM_004311.4(ARL3):c.148-2A>G

Gene: ARL3 (ARF like GTPase 3; minus strand). Cytogenetic location: 10q24.32.
Variant type: single nucleotide variant.
Coding change: c.148-2A>G on transcript NM_004311.4 (MANE Select); the canonical splice acceptor site of the intron before coding-DNA position 148, A replaced by G.
Molecular consequence: splice acceptor variant.
Genome position (GRCh38, 1-based): chr10:102,699,491, T>C on the plus strand (A>G on the coding strand, the complement: ARL3 is on the minus strand). VCF-style: chr10-102699491-T-C. GRCh37 (hg19) VCF-style: chr10-104459248-T-C.
Identifiers: ClinVar variation 1352443 (VCV001352443.6), dbSNP rs2136005344, ClinGen allele CA377922915.